The following is an entry in ClinVar:

ClinVar aggregate classification (germline): Uncertain significance (1 of 4 stars; one submission).

Submission:

Labcorp Genetics (formerly Invitae), Labcorp
Classification: Uncertain significance. Last evaluated: 2022-09-23. Review status: criteria provided, single submitter. Criteria: Invitae Variant Classification Sherloc (09022015). Collection method: clinical testing. Allele origin: germline.
Comment: This sequence change replaces leucine, which is neutral and non-polar, with glutamine, which is neutral and polar, at codon 663 of the MAGEL2 protein (p.Leu663Gln). This variant is not present in population databases (gnomAD no frequency). In summary, the available evidence is currently insufficient to determine the role of this variant in disease. Therefore, it has been classified as a Variant of Uncertain Significance. This variant has not been reported in the literature in individuals affected with MAGEL2-related conditions. Advanced modeling of protein sequence and biophysical properties (such as structural, functional, and spatial information, amino acid conservation, physicochemical variation, residue mobility, and thermodynamic stability) has been performed at Invitae for this missense variant, however the output from this modeling did not meet the statistical confidence thresholds required to predict the impact of this variant on MAGEL2 protein function.

NM_019066.5(MAGEL2):c.1988T>A (p.Leu663Gln)

Gene: MAGEL2 (MAGE family member L2; minus strand). Cytogenetic location: 15q11.2.
Variant type: single nucleotide variant.
Coding change: c.1988T>A on transcript NM_019066.5 (MANE Select); coding-DNA position 1988, T replaced by A.
Protein change: p.Leu663Gln; replaces leucine 663 with glutamine.
Molecular consequence: missense variant.
Genome position (GRCh38, 1-based): chr15:23,645,755, A>T on the plus strand (T>A on the coding strand, the complement: MAGEL2 is on the minus strand). VCF-style: chr15-23645755-A-T. GRCh37 (hg19) VCF-style: chr15-23890902-A-T.
Other names: short protein forms L663Q.
Identifiers: ClinVar variation 1720107 (VCV001720107.5), dbSNP rs2503978781, ClinGen allele CA391332903.